The following is an entry in ClinVar:

NM_015365.3(AMMECR1):c.791G>T (p.Gly264Val)

Gene: AMMECR1 (AMMECR nuclear protein 1; minus strand). Cytogenetic location: Xq23.
Variant type: single nucleotide variant.
Coding change: c.791G>T on transcript NM_015365.3 (MANE Select); coding-DNA position 791, G replaced by T.
Protein change: p.Gly264Val; replaces glycine 264 with valine.
Molecular consequence: missense variant.
Genome position (GRCh38, 1-based): chrX:110,201,050, C>A on the plus strand (G>T on the coding strand, the complement: AMMECR1 is on the minus strand). VCF-style: chrX-110201050-C-A. GRCh37 (hg19) VCF-style: chrX-109444278-C-A.
Other names: c.680G>T, p.Gly227Val (NM_001025580.2); c.422G>T, p.Gly141Val (NM_001171689.2); short protein forms G141V, G227V, G264V.
Identifiers: ClinVar variation 1678555 (VCV001678555.2), dbSNP rs2148162295, ClinGen allele CA414222197.

ClinVar aggregate classification (germline): Uncertain significance (1 of 4 stars; one submission).

Conditions:
Midface hypoplasia, hearing impairment, elliptocytosis, and nephrocalcinosis (MFHIEN). Identifiers: Orphanet 688581, MedGen C4310810, MONDO:0010516, OMIM 300990.

Submission:

Molecular Genetics, Royal Melbourne Hospital
Classification: Uncertain significance for Midface hypoplasia, hearing impairment, elliptocytosis, and nephrocalcinosis. Last evaluated: 2021-03-24. Review status: criteria provided, single submitter. Criteria: ACMG Guidelines, 2015. Collection method: clinical testing. Allele origin: germline.
Comment: This sequence change is predicted to replace Glycine with Valine at codon 264 of the AMMECR1 protein (p.(Gly264Val)). The Glycine residue is very highly conserved (100 vertebrates, UCSC), and is not in any annotated domain. There is a large physicochemical difference between Glycine and Valine. The variant is absent from a large population cohort (PM2, gnomAD v2.1.1 and v3). This variant has not been previously reported. Multiple lines of computational evidence predict a deleterious effect for the missense substitution (PP3, 5/5 algorithms). Based on the classification guideline RMH ACMG Guidelines v1.2.1, this variant is classified as a VARIANT OF UNCERTAIN SIGNIFICANCE. The following criteria are met: PM2, PP3.